The following is an entry in ClinVar:

NM_201384.3(PLEC):c.11716G>A (p.Ala3906Thr)

Gene: PLEC (plectin; minus strand). Cytogenetic location: 8q24.3.
Variant type: single nucleotide variant.
Coding change: c.11716G>A on transcript NM_201384.3 (MANE Select); coding-DNA position 11716, G replaced by A.
Protein change: p.Ala3906Thr; replaces alanine 3906 with threonine.
Molecular consequence: missense variant.
Genome position (GRCh38, 1-based): chr8:143,918,105, C>T on the plus strand (G>A on the coding strand, the complement: PLEC is on the minus strand). VCF-style: chr8-143918105-C-T. GRCh37 (hg19) VCF-style: chr8-144992273-C-T.
Other names: c.11650G>A, p.Ala3884Thr (NM_201379.3); c.12127G>A, p.Ala4043Thr (NM_201380.4); c.11620G>A, p.Ala3874Thr (NM_201381.3); c.11716G>A, p.Ala3906Thr (NM_201382.4); c.11728G>A, p.Ala3910Thr (NM_201383.3); c.11797G>A, p.Ala3933Thr (NM_000445.5); c.8416G>A, p.Ala2806Thr (NM_001410941.1); c.11674G>A, p.Ala3892Thr (NM_201378.4); short protein forms A3874T, A3906T, A3910T, A4043T, A2806T, A3884T, A3892T, A3933T.
Identifiers: ClinVar variation 2922430 (VCV002922430.3), dbSNP rs782456993, ClinGen allele CA372488864.

ClinVar aggregate classification (germline): Uncertain significance (1 of 4 stars; one submission).

Conditions:
Epidermolysis bullosa simplex with nail dystrophy (EBS5D). Identifiers: MedGen C4225309, MONDO:0014661, OMIM 616487.
Epidermolysis bullosa simplex, Ogna type (EBS5A). Also called: EPIDERMOLYSIS BULLOSA SIMPLEX 5A, OGNA TYPE; Pidermolysis bullosa simplex 5A, Ogna type. Identifiers: Orphanet 79401, MedGen C0432317, MONDO:0007555, OMIM 131950.
Epidermolysis bullosa simplex 5C, with pyloric atresia (EBS5C). Also called: PLEC1-Related Epidermolysis Bullosa with Pyloric Atresia; PLEC-Related Epidermolysis Bullosa with Pyloric Atresia; Epidermolysis bullosa simplex with pyloric atresia. Identifiers: Orphanet 158684, MedGen C2677349, MONDO:0012807, OMIM 612138.
Autosomal recessive limb-girdle muscular dystrophy type 2Q (LGMDR17). Also called: MUSCULAR DYSTROPHY, LIMB-GIRDLE, AUTOSOMAL RECESSIVE 17. Identifiers: Orphanet 254361, MedGen C3150989, MONDO:0013390, OMIM 613723.
Epidermolysis bullosa simplex 5B, with muscular dystrophy (EBS5B). Also called: EPIDERMOLYSIS BULLOSA SIMPLEX AND LIMB-GIRDLE MUSCULAR DYSTROPHY; Epidermolysis bullosa simplex with muscular dystrophy. Identifiers: Orphanet 257, MedGen C2931072, MONDO:0009181, OMIM 226670.

gnomAD v4.1: 2 of 1,597,858 alleles (0.00013%); highest among the groups gnomAD compares: South Asian, 0.0022%; no homozygotes.

Submission:

Labcorp Genetics (formerly Invitae), Labcorp
Classification: Uncertain significance for Autosomal recessive limb-girdle muscular dystrophy type 2Q; Epidermolysis bullosa simplex, Ogna type; Epidermolysis bullosa simplex with nail dystrophy; Epidermolysis bullosa simplex 5C, with pyloric atresia; Epidermolysis bullosa simplex 5B, with muscular dystrophy. Last evaluated: 2024-01-25. Review status: criteria provided, single submitter. Criteria: Invitae Variant Classification Sherloc (09022015). Collection method: clinical testing. Allele origin: germline.
Comment: This sequence change replaces alanine, which is neutral and non-polar, with threonine, which is neutral and polar, at codon 3933 of the PLEC protein (p.Ala3933Thr). This variant is not present in population databases (gnomAD no frequency). This variant has not been reported in the literature in individuals affected with PLEC-related conditions. Advanced modeling of protein sequence and biophysical properties (such as structural, functional, and spatial information, amino acid conservation, physicochemical variation, residue mobility, and thermodynamic stability) performed at Invitae indicates that this missense variant is not expected to disrupt PLEC protein function with a negative predictive value of 80%. In summary, the available evidence is currently insufficient to determine the role of this variant in disease. Therefore, it has been classified as a Variant of Uncertain Significance.